The following is an entry in ClinVar:

ClinVar aggregate classification (germline): Uncertain significance. Review status: criteria provided, multiple submitters, no conflicts (2 of 4 stars). 2 submissions from 2 submitters: Uncertain significance (2). Last evaluated 2024-11-11.

gnomAD v4.1: 4 of 1,612,506 alleles (0.00025%); highest among the groups gnomAD compares: South Asian, 0.0033%; no homozygotes.

Submissions (2):

Ambry Genetics
Classification: Uncertain significance. Last evaluated: 2024-11-11. Review status: criteria provided, single submitter. Criteria: Ambry Variant Classification Scheme 2023. Collection method: clinical testing. Allele origin: germline.

Labcorp Genetics (formerly Invitae), Labcorp
Classification: Uncertain significance. Last evaluated: 2024-09-12. Review status: criteria provided, single submitter. Criteria: Invitae Variant Classification Sherloc (09022015). Collection method: clinical testing. Allele origin: germline.
Comment: This sequence change replaces alanine, which is neutral and non-polar, with valine, which is neutral and non-polar, at codon 1231 of the A2ML1 protein (p.Ala1231Val). This variant is present in population databases (rs757470789, gnomAD 0.006%). This variant has not been reported in the literature in individuals affected with A2ML1-related conditions. An algorithm developed to predict the effect of missense changes on protein structure and function (PolyPhen-2) suggests that this variant is likely to be disruptive. In summary, the available evidence is currently insufficient to determine the role of this variant in disease. Therefore, it has been classified as a Variant of Uncertain Significance.

NM_144670.6(A2ML1):c.3692C>T (p.Ala1231Val)

Gene: A2ML1 (alpha-2-macroglobulin like 1; plus strand). Cytogenetic location: 12p13.31.
Variant type: single nucleotide variant.
Coding change: c.3692C>T on transcript NM_144670.6 (MANE Select); coding-DNA position 3692, C replaced by T.
Protein change: p.Ala1231Val; replaces alanine 1231 with valine.
Molecular consequence: missense variant.
Genome position (GRCh38, 1-based): chr12:8,863,983, C>T. VCF-style: chr12-8863983-C-T. GRCh37 (hg19) VCF-style: chr12-9016579-C-T.
Other names: c.2219C>T, p.Ala740Val (NM_001282424.3); short protein forms A1231V, A740V.
Identifiers: ClinVar variation 3407225 (VCV003407225.3).